The following is an entry in ClinVar:

NM_144670.6(A2ML1):c.2010C>A (p.Asp670Glu)

Gene: A2ML1 (alpha-2-macroglobulin like 1; plus strand). Cytogenetic location: 12p13.31.
Variant type: single nucleotide variant.
Coding change: c.2010C>A on transcript NM_144670.6 (MANE Select); coding-DNA position 2010, C replaced by A.
Protein change: p.Asp670Glu; replaces aspartic acid 670 with glutamic acid.
Molecular consequence: missense variant.
Genome position (GRCh38, 1-based): chr12:8,848,896, C>A. VCF-style: chr12-8848896-C-A. GRCh37 (hg19) VCF-style: chr12-9001492-C-A.
Other names: c.537C>A, p.Asp179Glu (NM_001282424.3); short protein forms D179E, D670E.
Identifiers: ClinVar variation 932205 (VCV000932205.4), dbSNP rs763091079, ClinGen allele CA6435862.
Genomic context (GRCh38, chr12:8,848,896, plus strand): 5'-CCAAGGGCATTCGAGCCAGCGTTCCATTATCTGGAGGCCCTCGTTCTCTGAAGGCACGGA[C>A]CTTTTCAGCTTTTTCCGGGTAGGTCTTCTTACCCATTTTGTTCTTATGGGAAAGATGGTG-3'
Protein context (NP_653271.3, residues 660-680): IWRPSFSEGT[Asp670Glu]LFSFFRDVGL

ClinVar aggregate classification (germline): Uncertain significance. Review status: criteria provided, multiple submitters, no conflicts (2 of 4 stars). 2 submissions from 2 submitters: Uncertain significance (2). Last evaluated 2023-07-09.

Allele frequency attached by ClinVar (database versions not stated): gnomAD exomes 0.00001 and 0.00002; TOPMed 0.00001; ExAC 0.00003.
gnomAD v4.1: 9 of 1,612,072 alleles (0.00056%); highest among the groups gnomAD compares: Admixed American, 0.013%; 1 homozygote.

Submissions (2):

Labcorp Genetics (formerly Invitae), Labcorp
Classification: Uncertain significance. Last evaluated: 2023-07-09. Review status: criteria provided, single submitter. Criteria: Invitae Variant Classification Sherloc (09022015). Collection method: clinical testing. Allele origin: germline.
Comment: In summary, the available evidence is currently insufficient to determine the role of this variant in disease. Therefore, it has been classified as a Variant of Uncertain Significance. An algorithm developed to predict the effect of missense changes on protein structure and function (PolyPhen-2) suggests that this variant is likely to be tolerated. ClinVar contains an entry for this variant (Variation ID: 932205). This variant has not been reported in the literature in individuals affected with A2ML1-related conditions. This variant is present in population databases (rs763091079, gnomAD 0.02%). This sequence change replaces aspartic acid, which is acidic and polar, with glutamic acid, which is acidic and polar, at codon 670 of the A2ML1 protein (p.Asp670Glu).

Women's Health and Genetics/Laboratory Corporation of America, LabCorp
Classification: Uncertain significance. Last evaluated: 2020-05-26. Review status: criteria provided, single submitter. Criteria: LabCorp Variant Classification Summary - May 2015. Collection method: clinical testing. Allele origin: germline.
Comment: Variant summary: A2ML1 c.2010C>A (p.Asp670Glu) results in a conservative amino acid change in the encoded protein sequence. Four of five in-silico tools predict a benign effect of the variant on protein function. The variant allele was found at a frequency of 2.4e-05 in 246662 control chromosomes. The available data on variant occurrences in the general population are insufficient to allow any conclusion about variant significance. To our knowledge, no occurrence of c.2010C>A in individuals affected with Noonan Syndrome And Related Conditions and no experimental evidence demonstrating its impact on protein function have been reported. No clinical diagnostic laboratories have submitted clinical-significance assessments for this variant to ClinVar after 2014. Based on the evidence outlined above, the variant was classified as uncertain significance.